The following is an entry in ClinVar:

NM_001080449.3(DNA2):c.956T>A (p.Leu319Gln)

Gene: DNA2 (DNA replication helicase/nuclease 2; minus strand). Cytogenetic location: 10q21.3.
Variant type: single nucleotide variant.
Coding change: c.956T>A on transcript NM_001080449.3 (MANE Select); coding-DNA position 956, T replaced by A.
Protein change: p.Leu319Gln; replaces leucine 319 with glutamine.
Molecular consequence: missense variant. On other transcripts: non-coding transcript variant (1).
Genome position (GRCh38, 1-based): chr10:68,446,397, A>T on the plus strand (T>A on the coding strand, the complement: DNA2 is on the minus strand). VCF-style: chr10-68446397-A-T. GRCh37 (hg19) VCF-style: chr10-70206154-A-T.
Other names: short protein forms L319Q.
Identifiers: ClinVar variation 3663862 (VCV003663862.2).
Genomic context (GRCh38, chr10:68,446,397, plus strand): 5'-CCAGTCTTGAGGTAGAGAAGCAAGCCAGCCTCTGGATCAGCTCTTCTCTCTTGGCTTAGT[A>T]GAGTGTACAGAACAACCTGTGCAAACATTGACATTTGCTCAAACAAAACTATAACTTCTT-3'
Protein context (NP_001073918.2, residues 309-329): EHRSQVVLYT[Leu319Gln]LSQERRADPE

ClinVar aggregate classification (germline): Uncertain significance (1 of 4 stars; one submission).

Submission:

Labcorp Genetics (formerly Invitae), Labcorp
Classification: Uncertain significance. Last evaluated: 2024-08-29. Review status: criteria provided, single submitter. Criteria: Invitae Variant Classification Sherloc (09022015). Collection method: clinical testing. Allele origin: germline.
Comment: This sequence change replaces leucine, which is neutral and non-polar, with glutamine, which is neutral and polar, at codon 319 of the DNA2 protein (p.Leu319Gln). This variant is not present in population databases (gnomAD no frequency). This variant has not been reported in the literature in individuals affected with DNA2-related conditions. Invitae Evidence Modeling of protein sequence and biophysical properties (such as structural, functional, and spatial information, amino acid conservation, physicochemical variation, residue mobility, and thermodynamic stability) indicates that this missense variant is expected to disrupt DNA2 protein function with a positive predictive value of 80%. In summary, the available evidence is currently insufficient to determine the role of this variant in disease. Therefore, it has been classified as a Variant of Uncertain Significance.